The following is an entry in ClinVar:

ClinVar aggregate classification (germline): Uncertain significance (1 of 4 stars; one submission).

Allele frequency attached by ClinVar (database versions not stated): gnomAD exomes 0.00001.

Submission:

CeGaT Center for Human Genetics Tuebingen
Classification: Uncertain significance. Last evaluated: 2022-11-01. Review status: criteria provided, single submitter. Criteria: CeGaT Center For Human Genetics Tuebingen Variant Classification Criteria Version 2. Collection method: clinical testing. Allele origin: germline. Affected: yes. Observed: 1 variant allele.
Comment: KISS1R: PM2

NM_032551.5(KISS1R):c.112C>T (p.Arg38Trp)

Gene: KISS1R (KISS1 receptor; plus strand). Cytogenetic location: 19p13.3.
Variant type: single nucleotide variant.
Coding change: c.112C>T on transcript NM_032551.5 (MANE Select); coding-DNA position 112, C replaced by T.
Protein change: p.Arg38Trp; replaces arginine 38 with tryptophan.
Molecular consequence: missense variant.
Genome position (GRCh38, 1-based): chr19:917,614, C>T. VCF-style: chr19-917614-C-T. GRCh37 (hg19) VCF-style: chr19-917614-C-T.
Other names: short protein forms R38W.
Identifiers: ClinVar variation 2648879 (VCV002648879.24), dbSNP rs1222810176, ClinGen allele CA402912959.